The following is an entry in ClinVar:

ClinVar aggregate classification (germline): Uncertain significance. Review status: criteria provided, multiple submitters, no conflicts (2 of 4 stars). 3 submissions from 3 submitters: Uncertain significance (2). 1 of the submissions does not count toward it. Last evaluated 2025-10-10.

Conditions:
Hereditary cancer-predisposing syndrome. Also called: Neoplastic Syndromes, Hereditary; Tumor predisposition; Hereditary neoplastic syndrome; Hereditary Cancer Syndrome. Identifiers: Orphanet 140162, MedGen C0027672, MeSH D009386, MONDO:0015356.
Prostate cancer, hereditary, 1 (HPC1). Identifiers: Orphanet 1331, MedGen C4722327, MONDO:0011098, OMIM 601518.

Submissions (3):

Ambry Genetics
Classification: Uncertain significance for Hereditary cancer-predisposing syndrome. Last evaluated: 2025-10-10. Review status: criteria provided, single submitter. Criteria: Ambry Variant Classification Scheme 2023. Collection method: clinical testing. Allele origin: germline.
Comment: The p.E230K variant (also known as c.688G>A), located in coding exon 2 of the HOXB13 gene, results from a G to A substitution at nucleotide position 688. The glutamic acid at codon 230 is replaced by lysine, an amino acid with similar properties. This amino acid position is conserved. In addition, this alteration is predicted to be deleterious by in silico analysis. Since supporting evidence is limited at this time, the clinical significance of this alteration remains unclear.

Labcorp Genetics (formerly Invitae), Labcorp
Classification: Uncertain significance. Last evaluated: 2023-11-19. Review status: criteria provided, single submitter. Criteria: Invitae Variant Classification Sherloc (09022015). Collection method: clinical testing. Allele origin: germline.
Comment: This sequence change replaces glutamic acid, which is acidic and polar, with lysine, which is basic and polar, at codon 230 of the HOXB13 protein (p.Glu230Lys). This variant is not present in population databases (gnomAD no frequency). This variant has not been reported in the literature in individuals affected with HOXB13-related conditions. ClinVar contains an entry for this variant (Variation ID: 691148). Advanced modeling of protein sequence and biophysical properties (such as structural, functional, and spatial information, amino acid conservation, physicochemical variation, residue mobility, and thermodynamic stability) has been performed at Invitae for this missense variant, however the output from this modeling did not meet the statistical confidence thresholds required to predict the impact of this variant on HOXB13 protein function. In summary, the available evidence is currently insufficient to determine the role of this variant in disease. Therefore, it has been classified as a Variant of Uncertain Significance.

Laboratory of Virology, Microbiology,  Quality and Medical Biotechnologies, Faculty of Sciences and Techniques - Mohammedia, Hassan II University of Casablanca
Classification: Uncertain significance for Prostate cancer, hereditary, 1. Review status: no assertion criteria provided. Collection method: clinical testing. Allele origin: somatic. Affected: yes. Not counted in ClinVar's aggregate classification.

NM_006361.6(HOXB13):c.688G>A (p.Glu230Lys)

Gene: HOXB13 (homeobox B13; minus strand). Cytogenetic location: 17q21.32.
Variant type: single nucleotide variant.
Coding change: c.688G>A on transcript NM_006361.6 (MANE Select); coding-DNA position 688, G replaced by A.
Protein change: p.Glu230Lys; replaces glutamic acid 230 with lysine.
Molecular consequence: missense variant.
Genome position (GRCh38, 1-based): chr17:48,726,957, C>T on the plus strand (G>A on the coding strand, the complement: HOXB13 is on the minus strand). VCF-style: chr17-48726957-C-T. GRCh37 (hg19) VCF-style: chr17-46804319-C-T.
Other names: short protein forms E230K.
Identifiers: ClinVar variation 691148 (VCV000691148.6), dbSNP rs1302905544, ClinGen allele CA400106621.